The following is an entry in ClinVar:

NM_001365999.1(SZT2):c.8038C>T (p.Arg2680Cys)

Gene: SZT2 (SZT2 subunit of KICSTOR complex; plus strand). Cytogenetic location: 1p34.2.
Variant type: single nucleotide variant.
Coding change: c.8038C>T on transcript NM_001365999.1 (MANE Select); coding-DNA position 8038, C replaced by T.
Protein change: p.Arg2680Cys; replaces arginine 2680 with cysteine.
Molecular consequence: missense variant.
Genome position (GRCh38, 1-based): chr1:43,442,505, C>T. VCF-style: chr1-43442505-C-T. GRCh37 (hg19) VCF-style: chr1-43908176-C-T.
Other names: c.7867C>T, p.Arg2623Cys (NM_015284.4); c.7867C>T (NM_015284.3); short protein forms R2680C, R2623C.
Identifiers: ClinVar variation 2064877 (VCV002064877.5), dbSNP rs866383365, ClinGen allele CA21648108.

ClinVar aggregate classification (germline): Uncertain significance. Review status: criteria provided, multiple submitters, no conflicts (2 of 4 stars). 3 submissions from 3 submitters: Uncertain significance (3). Last evaluated 2026-01-23.

Allele frequency attached by ClinVar (database versions not stated): TOPMed below 0.00001; gnomAD exomes 0.00001.
gnomAD v4.1: 11 of 1,614,116 alleles (0.00068%); highest among the groups gnomAD compares: South Asian, 0.0033%; no homozygotes.

Submissions (3):

GeneDx
Classification: Uncertain significance. Last evaluated: 2026-01-23. Review status: criteria provided, single submitter. Criteria: GeneDx Variant Classification Process June 2021. Collection method: clinical testing. Allele origin: germline.
Comment: Not observed at significant frequency in large population cohorts (gnomAD); In silico analysis supports that this missense variant has a deleterious effect on protein structure/function; Has not been previously published as pathogenic or benign to our knowledge

Labcorp Genetics (formerly Invitae), Labcorp
Classification: Uncertain significance. Last evaluated: 2022-08-07. Review status: criteria provided, single submitter. Criteria: Invitae Variant Classification Sherloc (09022015). Collection method: clinical testing. Allele origin: germline.
Comment: This sequence change replaces arginine, which is basic and polar, with cysteine, which is neutral and slightly polar, at codon 2623 of the SZT2 protein (p.Arg2623Cys). The frequency data for this variant in the population databases is considered unreliable, as metrics indicate poor data quality at this position in the gnomAD database. This variant has not been reported in the literature in individuals affected with SZT2-related conditions. Algorithms developed to predict the effect of missense changes on protein structure and function (SIFT, PolyPhen-2, Align-GVGD) all suggest that this variant is likely to be disruptive. In summary, the available evidence is currently insufficient to determine the role of this variant in disease. Therefore, it has been classified as a Variant of Uncertain Significance.

Blueprint Genetics
Classification: Uncertain significance. Last evaluated: 2019-12-16. Review status: criteria provided, single submitter. Criteria: ACMG Guidelines, 2015. Collection method: clinical testing. Allele origin: germline.